The following is an entry in ClinVar:

ClinVar aggregate classification (germline): Uncertain significance (1 of 4 stars; one submission).

Conditions:
Familial thoracic aortic aneurysm and aortic dissection (TAAD). Also called: Thoracic aortic aneurysms and dissections. Identifiers: Orphanet 91387, MedGen C4707243, MONDO:0019625.

gnomAD v4.1: 4 of 1,614,036 alleles (0.00025%); highest among the groups gnomAD compares: African/African-American, 0.0027%; no homozygotes.

Submission:

Ambry Genetics
Classification: Uncertain significance for Familial thoracic aortic aneurysm and aortic dissection. Last evaluated: 2026-03-12. Review status: criteria provided, single submitter. Criteria: Ambry Variant Classification Scheme 2023. Collection method: clinical testing. Allele origin: germline.
Comment: The p.T2785I variant (also known as c.8354C>T), located in coding exon 65 of the FBN1 gene, results from a C to T substitution at nucleotide position 8354. The threonine at codon 2785 is replaced by isoleucine, an amino acid with similar properties. This amino acid position is conserved. In addition, the in silico prediction for this alteration is inconclusive. Based on the available evidence, the clinical significance of this variant remains unclear.

NM_000138.5(FBN1):c.8354C>T (p.Thr2785Ile)

Gene: FBN1 (fibrillin 1; minus strand). Cytogenetic location: 15q21.1.
Variant type: single nucleotide variant.
Coding change: c.8354C>T on transcript NM_000138.5 (MANE Select); coding-DNA position 8354, C replaced by T.
Protein change: p.Thr2785Ile; replaces threonine 2785 with isoleucine.
Molecular consequence: missense variant.
Genome position (GRCh38, 1-based): chr15:48,411,252, G>A on the plus strand (C>T on the coding strand, the complement: FBN1 is on the minus strand). VCF-style: chr15-48411252-G-A. GRCh37 (hg19) VCF-style: chr15-48703449-G-A.
Other names: c.8354C>T, p.Thr2785Ile (NM_001406716.1); short protein forms T2785I.
Identifiers: ClinVar variation 4841335 (VCV004841335.1).